The following is an entry in ClinVar:

NM_058216.3(RAD51C):c.883G>A (p.Ala295Thr)

Gene: RAD51C (RAD51 paralog C; plus strand). Cytogenetic location: 17q22.
Variant type: single nucleotide variant.
Coding change: c.883G>A on transcript NM_058216.3 (MANE Select); coding-DNA position 883, G replaced by A.
Protein change: p.Ala295Thr; replaces alanine 295 with threonine.
Molecular consequence: missense variant. On other transcripts: non-coding transcript variant (1).
Genome position (GRCh38, 1-based): chr17:58,720,791, G>A. VCF-style: chr17-58720791-G-A. GRCh37 (hg19) VCF-style: chr17-56798152-G-A.
Other names: short protein forms A295T.
Identifiers: ClinVar variation 409854 (VCV000409854.27), dbSNP rs746571208, ClinGen allele CA8677347.

ClinVar aggregate classification (germline): Conflicting classifications of pathogenicity. Review status: criteria provided, conflicting classifications (1 of 4 stars). 7 submissions from 7 submitters: Uncertain significance (6); Benign (1). Last evaluated 2025-11-12.

Conditions:
Breast-ovarian cancer, familial, susceptibility to, 3. Also called: RAD51C-Related Breast/Ovarian Cancer. Identifiers: Orphanet 145, MedGen C3150659, MONDO:0013253, OMIM 613399.
Fanconi anemia complementation group O. Also called: RAD51C-Related Fanconi Anemia. Identifiers: Orphanet 84, MedGen C3150653, MONDO:0013248, OMIM 613390.
Hereditary cancer-predisposing syndrome. Also called: Hereditary neoplastic syndrome; Neoplastic Syndromes, Hereditary; Tumor predisposition; Hereditary Cancer Syndrome. Identifiers: Orphanet 140162, MedGen C0027672, MeSH D009386, MONDO:0015356.

Allele frequency attached by ClinVar (database versions not stated): gnomAD exomes below 0.00001 and 0.00002; ExAC 0.00001; gnomAD 0.00003 and 0.00004; TOPMed 0.00003.

Submissions (7):

Labcorp Genetics (formerly Invitae), Labcorp
Classification: Uncertain significance for Fanconi anemia complementation group O. Last evaluated: 2025-11-12. Review status: criteria provided, single submitter. Criteria: Invitae Variant Classification Sherloc (09022015). Collection method: clinical testing. Allele origin: germline.
Comment: This sequence change replaces alanine, which is neutral and non-polar, with threonine, which is neutral and polar, at codon 295 of the RAD51C protein (p.Ala295Thr). This variant is present in population databases (rs746571208, gnomAD 0.03%). This variant has not been reported in the literature in individuals affected with RAD51C-related conditions. ClinVar contains an entry for this variant (Variation ID: 409854). Invitae Evidence Modeling of protein sequence and biophysical properties (such as structural, functional, and spatial information, amino acid conservation, physicochemical variation, residue mobility, and thermodynamic stability) indicates that this missense variant is not expected to disrupt RAD51C protein function with a negative predictive value of 80%. In summary, the available evidence is currently insufficient to determine the role of this variant in disease. Therefore, it has been classified as a Variant of Uncertain Significance.

Ambry Genetics
Classification: Benign for Hereditary cancer-predisposing syndrome. Last evaluated: 2025-09-25. Review status: criteria provided, single submitter. Criteria: Ambry Variant Classification Scheme 2023. Collection method: clinical testing. Allele origin: germline.

Women's Health and Genetics/Laboratory Corporation of America, LabCorp
Classification: Uncertain significance. Last evaluated: 2025-09-08. Review status: criteria provided, single submitter. Criteria: LabCorp Variant Classification Summary - May 2015. Collection method: clinical testing. Allele origin: germline.

Color Diagnostics, LLC DBA Color Health
Classification: Uncertain significance for Hereditary cancer-predisposing syndrome. Last evaluated: 2023-12-05. Review status: criteria provided, single submitter. Criteria: ACMG Guidelines, 2015. Collection method: clinical testing. Allele origin: germline.
Comment: This missense variant replaces alanine with threonine at codon 295 of the RAD51C protein. Computational prediction suggests that this variant may not impact protein structure and function (internally defined REVEL score threshold <= 0.5, PMID: 27666373). To our knowledge, functional studies have not been reported for this variant. This variant has not been reported in individuals affected with RAD51C-related disorders in the literature. This variant has been identified in 4/251044 chromosomes in the general population by the Genome Aggregation Database (gnomAD). The available evidence is insufficient to determine the role of this variant in disease conclusively. Therefore, this variant is classified as a Variant of Uncertain Significance.

Baylor Genetics
Classification: Uncertain significance for Breast-ovarian cancer, familial, susceptibility to, 3. Last evaluated: 2023-11-08. Review status: criteria provided, single submitter. Criteria: ACMG Guidelines, 2015. Collection method: clinical testing. Allele origin: unknown.

GeneDx
Classification: Uncertain significance. Last evaluated: 2022-12-02. Review status: criteria provided, single submitter. Criteria: GeneDx Variant Classification Process June 2021. Collection method: clinical testing. Allele origin: germline. Affected: yes.
Comment: Not observed at significant frequency in large population cohorts (gnomAD); In silico analysis supports that this missense variant does not alter protein structure/function; Has not been previously published as pathogenic or benign to our knowledge; This variant is associated with the following publications: (PMID: 26261251, 14704354)

Sema4
Classification: Uncertain significance for Hereditary cancer-predisposing syndrome. Last evaluated: 2021-04-23. Review status: criteria provided, single submitter. Criteria: Sema4 Curation Guidelines. Collection method: curation. Allele origin: germline.
Comment: The RAD51C c.883G>A (p.A295T) variant has not been reported in the literature to our knowledge. It was observed in 4/16232 chromosomes of the African/African American subpopulation in the large and broad cohorts of the Genome Aggregation Database (PMID: 32461654). The variant has been reported in ClinVar (Variation ID 409854). In silico tools suggest the impact of the variant on protein function is benign, though these predictions have not been confirmed by functional studies. The evidence is insufficient to meet ACMG/AMP criteria for classifying the variant as benign or pathogenic. Thus, the clinical significance of this variant is currently uncertain.